The following is an entry in ClinVar:

ClinVar aggregate classification (germline): Uncertain significance (1 of 4 stars; one submission).

Submission:

Ambry Genetics
Classification: Uncertain significance. Last evaluated: 2026-03-26. Review status: criteria provided, single submitter. Criteria: Ambry Variant Classification Scheme 2023. Collection method: clinical testing. Allele origin: germline.
Comment: The c.292A>C (p.T98P) alteration is located in exon 5 (coding exon 4) of the IGFN1 gene. This alteration results from a A to C substitution at nucleotide position 292, causing the threonine (T) at amino acid position 98 to be replaced by a proline (P). Based on data from gnomAD, the C allele has an overall frequency of 0.001% (2/187680) total alleles studied. The highest observed frequency was 0.003% (2/75878) of European (non-Finnish) alleles. Based on insufficient or conflicting evidence, the clinical significance of this alteration remains unclear.

NM_001164586.2(IGFN1):c.292A>C (p.Thr98Pro)

Gene: IGFN1 (immunoglobulin like and fibronectin type III domain containing 1; plus strand). Cytogenetic location: 1q32.1.
Variant type: single nucleotide variant.
Coding change: c.292A>C on transcript NM_001164586.2 (MANE Select); coding-DNA position 292, A replaced by C.
Protein change: p.Thr98Pro; replaces threonine 98 with proline.
Molecular consequence: missense variant.
Genome position (GRCh38, 1-based): chr1:201,197,242, A>C. VCF-style: chr1-201197242-A-C. GRCh37 (hg19) VCF-style: chr1-201166370-A-C.
Other names: c.292A>C, p.Thr98Pro (NM_001367841.1); short protein forms T98P.
Identifiers: ClinVar variation 4858424 (VCV004858424.1).